The following is an entry in ClinVar:

NM_030962.4(SBF2):c.1025G>A (p.Arg342Gln)

Gene: SBF2 (SET binding factor 2; minus strand). Cytogenetic location: 11p15.4.
Variant type: single nucleotide variant.
Coding change: c.1025G>A on transcript NM_030962.4 (MANE Select); coding-DNA position 1025, G replaced by A.
Protein change: p.Arg342Gln; replaces arginine 342 with glutamine.
Molecular consequence: missense variant.
Genome position (GRCh38, 1-based): chr11:9,993,949, C>T on the plus strand (G>A on the coding strand, the complement: SBF2 is on the minus strand). VCF-style: chr11-9993949-C-T. GRCh37 (hg19) VCF-style: chr11-10015496-C-T.
Other names: c.1025G>A, p.Arg342Gln (NM_001386339.1, NM_001386342.1); short protein forms R342Q.
Identifiers: ClinVar variation 1012097 (VCV001012097.6), dbSNP rs954771068, ClinGen allele CA217650705.
Genomic context (GRCh38, chr11:9,993,949, plus strand): 5'-ACAGCATTAAATTTAAATATTAAACTTCTTACCAGCATTTTTGAGTGGGATAAAGCTGTT[C>T]GTGGAGGAGGAAAAGCATGATCTGCTACTTCCAAATCTGGGTGTAAAATCTAAAGCAAAA-3'
Protein context (NP_112224.1, residues 332-352): EVADHAFPPP[Arg342Gln]TALSHSKMLD

ClinVar aggregate classification (germline): Uncertain significance (1 of 4 stars; one submission).

Conditions:
Charcot-Marie-Tooth disease type 4. Also called: Charcot-Marie-Tooth, Type 4; Charcot-Marie-Tooth disease, type IV. Identifiers: Orphanet 64749, MedGen C4082197, MONDO:0018995.

Allele frequency attached by ClinVar (database versions not stated): gnomAD 0.00001; TOPMed 0.00002.
gnomAD v4.1: 12 of 1,257,594 alleles (0.00095%); highest among the groups gnomAD compares: African/African-American, 0.0015%; no homozygotes.

Submission:

Labcorp Genetics (formerly Invitae), Labcorp
Classification: Uncertain significance for Charcot-Marie-Tooth disease type 4. Last evaluated: 2021-08-30. Review status: criteria provided, single submitter. Criteria: Invitae Variant Classification Sherloc (09022015). Collection method: clinical testing. Allele origin: germline.
Comment: This sequence change replaces arginine with glutamine at codon 342 of the SBF2 protein (p.Arg342Gln). The arginine residue is moderately conserved and there is a small physicochemical difference between arginine and glutamine. This variant is not present in population databases (ExAC no frequency). This variant has not been reported in the literature in individuals affected with SBF2-related conditions. Algorithms developed to predict the effect of missense changes on protein structure and function (SIFT, PolyPhen-2, Align-GVGD) all suggest that this variant is likely to be tolerated. In summary, the available evidence is currently insufficient to determine the role of this variant in disease. Therefore, it has been classified as a Variant of Uncertain Significance.